The following is an entry in ClinVar:

NM_022051.3(EGLN1):c.262G>A (p.Ala88Thr)

Gene: EGLN1 (egl-9 family hypoxia inducible factor 1; minus strand). Cytogenetic location: 1q42.2.
Variant type: single nucleotide variant.
Coding change: c.262G>A on transcript NM_022051.3 (MANE Select); coding-DNA position 262, G replaced by A.
Protein change: p.Ala88Thr; replaces alanine 88 with threonine.
Molecular consequence: missense variant.
Genome position (GRCh38, 1-based): chr1:231,421,627, C>T on the plus strand (G>A on the coding strand, the complement: EGLN1 is on the minus strand). VCF-style: chr1-231421627-C-T. GRCh37 (hg19) VCF-style: chr1-231557373-C-T.
Other names: c.262G>A, p.Ala88Thr (NM_001377260.1, NM_001377261.1); short protein forms A88T.
Identifiers: ClinVar variation 4751640 (VCV004751640.1).

ClinVar aggregate classification (germline): Uncertain significance (1 of 4 stars; one submission).

Conditions:
Erythrocytosis, familial, 3 (ECYT3). Identifiers: Orphanet 247511, MedGen C1853286, MONDO:0012353, OMIM 609820.

Submission:

Labcorp Genetics (formerly Invitae), Labcorp
Classification: Uncertain significance for Erythrocytosis, familial, 3. Last evaluated: 2025-02-13. Review status: criteria provided, single submitter. Criteria: Invitae Variant Classification Sherloc (09022015). Collection method: clinical testing. Allele origin: germline.
Comment: This sequence change replaces alanine, which is neutral and non-polar, with threonine, which is neutral and polar, at codon 88 of the EGLN1 protein (p.Ala88Thr). This variant is not present in population databases (gnomAD no frequency). This variant has not been reported in the literature in individuals affected with EGLN1-related conditions. An algorithm developed to predict the effect of missense changes on protein structure and function (PolyPhen-2) suggests that this variant is likely to be disruptive. In summary, the available evidence is currently insufficient to determine the role of this variant in disease. Therefore, it has been classified as a Variant of Uncertain Significance.